The following is an entry in ClinVar:

ClinVar aggregate classification (germline): Likely pathogenic (1 of 4 stars; one submission).

Allele frequency attached by ClinVar (database versions not stated): gnomAD exomes 0.00001.
gnomAD v4.1: 11 of 1,614,170 alleles (0.00068%); highest among the groups gnomAD compares: Non-Finnish European, 0.00093%; no homozygotes.

Submission:

Labcorp Genetics (formerly Invitae), Labcorp
Classification: Likely pathogenic. Last evaluated: 2024-05-29. Review status: criteria provided, single submitter. Criteria: Invitae Variant Classification Sherloc (09022015). Collection method: clinical testing. Allele origin: germline.
Comment: This sequence change affects a donor splice site in intron 8 of the IDH3B gene. It is expected to disrupt RNA splicing. Variants that disrupt the donor or acceptor splice site typically lead to a loss of protein function (PMID: 16199547), and loss-of-function variants in IDH3B are known to be pathogenic (PMID: 18806796). This variant is not present in population databases (gnomAD no frequency). This variant has not been reported in the literature in individuals affected with IDH3B-related conditions. ClinVar contains an entry for this variant (Variation ID: 632372). Algorithms developed to predict the effect of sequence changes on RNA splicing suggest that this variant may disrupt the consensus splice site. In summary, the currently available evidence indicates that the variant is pathogenic, but additional data are needed to prove that conclusively. Therefore, this variant has been classified as Likely Pathogenic.

Literature cited by the submitters: PubMed 16199547; PubMed 18806796.

NM_006899.5(IDH3B):c.768+1G>T

Gene: IDH3B (isocitrate dehydrogenase (NAD(+)) 3 non-catalytic subunit beta; minus strand). Cytogenetic location: 20p13.
Variant type: single nucleotide variant.
Coding change: c.768+1G>T on transcript NM_006899.5 (MANE Select); the canonical splice donor site of the intron after coding-DNA position 768, G replaced by T.
Molecular consequence: splice donor variant.
Genome position (GRCh38, 1-based): chr20:2,660,262, C>A on the plus strand (G>T on the coding strand, the complement: IDH3B is on the minus strand). VCF-style: chr20-2660262-C-A. GRCh37 (hg19) VCF-style: chr20-2640908-C-A.
Other names: c.768+1G>T (NM_174855.4, NM_001330763.2, NM_001258384.3).
Identifiers: ClinVar variation 632372 (VCV000632372.7), dbSNP rs1568548317, ClinGen allele CA408036010.